The following is an entry in ClinVar:

ClinVar aggregate classification (germline): Likely benign. Review status: criteria provided, multiple submitters, no conflicts (2 of 4 stars). 5 submissions from 5 submitters: Likely benign (5). Last evaluated 2025-12-29.

Conditions:
Cardiovascular phenotype. Identifiers: MedGen CN230736.

Allele frequency attached by ClinVar (database versions not stated): gnomAD 0.00005; gnomAD exomes 0.00010; ExAC 0.00013; 1000 Genomes Project 0.00020; 1000 Genomes Project 30x 0.00031.
gnomAD v4.1: 101 of 1,613,084 alleles (0.0063%); highest among the groups gnomAD compares: South Asian, 0.024%; no homozygotes.

Submissions (5):

Labcorp Genetics (formerly Invitae), Labcorp
Classification: Likely benign. Last evaluated: 2025-12-29. Review status: criteria provided, single submitter. Criteria: Invitae Variant Classification Sherloc (09022015). Collection method: clinical testing. Allele origin: germline.

Blueprint Genetics
Classification: Likely benign. Last evaluated: 2024-10-16. Review status: criteria provided, single submitter. Criteria: ACMG Guidelines, 2015. Collection method: clinical testing. Allele origin: germline.

CeGaT Center for Human Genetics Tuebingen
Classification: Likely benign. Last evaluated: 2023-10-01. Review status: criteria provided, single submitter. Criteria: CeGaT Center For Human Genetics Tuebingen Variant Classification Criteria Version 2. Collection method: clinical testing. Allele origin: germline. Affected: yes. Observed: 1 variant allele.
Comment: PPP1CB: BP4, BP7

Ambry Genetics
Classification: Likely benign for Cardiovascular phenotype. Last evaluated: 2022-04-03. Review status: criteria provided, single submitter. Criteria: Ambry Variant Classification Scheme 2023. Collection method: clinical testing. Allele origin: germline.

Breakthrough Genomics
Classification: Likely benign. Review status: criteria provided, single submitter. Criteria: ACMG Guidelines, 2015. Collection method: not provided. Allele origin: germline. Inheritance: Autosomal dominant inheritance. Affected: yes.

NM_002709.3(PPP1CB):c.612A>G (p.Leu204=)

Gene: PPP1CB (protein phosphatase 1 catalytic subunit beta; plus strand). Cytogenetic location: 2p23.2.
Variant type: single nucleotide variant.
Coding change: c.612A>G on transcript NM_002709.3 (MANE Select); coding-DNA position 612, A replaced by G.
Protein change: p.Leu204=; no amino-acid change (leucine 204 retained).
Molecular consequence: synonymous variant.
Genome position (GRCh38, 1-based): chr2:28,788,677, A>G. VCF-style: chr2-28788677-A-G. GRCh37 (hg19) VCF-style: chr2-29011543-A-G.
Other names: c.612A>G, p.Leu204= (NM_206876.2).
Identifiers: ClinVar variation 1672821 (VCV001672821.35), dbSNP rs190433160, ClinGen allele CA1589287.